The following is an entry in ClinVar:

NM_001100913.3(PACS2):c.1649C>T (p.Pro550Leu)

Gene: PACS2 (phosphofurin acidic cluster sorting protein 2; plus strand). Cytogenetic location: 14q32.33.
Variant type: single nucleotide variant.
Coding change: c.1649C>T on transcript NM_001100913.3 (MANE Select); coding-DNA position 1649, C replaced by T.
Protein change: p.Pro550Leu; replaces proline 550 with leucine.
Molecular consequence: missense variant.
Genome position (GRCh38, 1-based): chr14:105,383,382, C>T. VCF-style: chr14-105383382-C-T. GRCh37 (hg19) VCF-style: chr14-105849719-C-T.
Other names: c.1412C>T, p.Pro471Leu (NM_001243127.3); c.1637C>T, p.Pro546Leu (NM_015197.4); short protein forms P471L, P546L, P550L.
Identifiers: ClinVar variation 5020348 (VCV005020348.1).
Genomic context (GRCh38, chr14:105,383,382, plus strand): 5'-CTGTCCCCTCTCCGTCCCACCTGCCTCTGGATTGCAGCTGCAACTGCAATTCCCAGCCCC[C>T]GACCCCCGTGAAGATCGCCGTGGCGGGAGCGCAGCATTACCTCAGTGCCATCCTGCGGCT-3'
Protein context (NP_001094383.2, residues 540-560): QRYCNCNSQP[Pro550Leu]TPVKIAVAGA

ClinVar aggregate classification (germline): Uncertain significance (1 of 4 stars; one submission).

gnomAD v4.1: 5 of 1,608,480 alleles (0.00031%); highest among the groups gnomAD compares: Non-Finnish European, 0.00034%; no homozygotes.

Submission:

Dasa
Classification: Uncertain significance. Last evaluated: 2026-06-18. Review status: criteria provided, single submitter. Criteria: DASA Assertion Criteria. Collection method: clinical testing. Allele origin: germline.
Comment: NM_001100913.3(PACS2):c.1649C>T (p.Pro550Leu) is a missense variant that results in the substitution of proline with leucine. This variant is rare in population databases. The currently available literature and clinical evidence are not sufficient to establish a definitive association between this variant and the reported condition. Therefore, this variant is classified as a variant of uncertain significance.